The following is an entry in ClinVar:

NM_133178.4(PTPRU):c.2008G>A (p.Ala670Thr)

Gene: PTPRU (protein tyrosine phosphatase receptor type U; plus strand). Cytogenetic location: 1p35.3.
Variant type: single nucleotide variant.
Coding change: c.2008G>A on transcript NM_133178.4 (MANE Select); coding-DNA position 2008, G replaced by A.
Protein change: p.Ala670Thr; replaces alanine 670 with threonine.
Molecular consequence: missense variant.
Genome position (GRCh38, 1-based): chr1:29,282,815, G>A. VCF-style: chr1-29282815-G-A. GRCh37 (hg19) VCF-style: chr1-29609327-G-A.
Other names: c.2008G>A, p.Ala670Thr (NM_001195001.2, NM_005704.5, NM_133177.4); short protein forms A670T.
Identifiers: ClinVar variation 3037900 (VCV003037900.2), dbSNP rs151313946, ClinGen allele CA726520.
Genomic context (GRCh38, chr1:29,282,815, plus strand): 5'-CCATTGACCTTCGAGGCGGCGCTGGCCCGAGGCCTGGTGCACTACTTCGGGGCCGAACTG[G>A]CGGCCAGCAGTCTACCTGAGGCCATGCCCTTTACCGTGGGTGACAACCAGACCTACCGAG-3'
Protein context (NP_573439.2, residues 660-680): GLVHYFGAEL[Ala670Thr]ASSLPEAMPF

ClinVar aggregate classification (germline): Benign (0 of 4 stars; one submission).

Conditions:
PTPRU-related disorder. Also called: PTPRU-related condition.

Allele frequency attached by ClinVar (database versions not stated): gnomAD exomes 0.00036; ExAC 0.00111; 1000 Genomes Project 0.00200; 1000 Genomes Project 30x 0.00328; gnomAD 0.00334; ESP Exome Variant Server 0.00392; TOPMed 0.00403.
gnomAD v4.1: 1,054 of 1,614,144 alleles (0.065%); highest among the groups gnomAD compares: African/African-American, 1.2%; 9 homozygotes.

Submission:

PreventionGenetics, part of Exact Sciences
Classification: Benign for PTPRU-related condition. Last evaluated: 2024-06-13. Review status: no assertion criteria provided. Collection method: clinical testing. Allele origin: germline.
Comment: This variant is classified as benign based on ACMG/AMP sequence variant interpretation guidelines (Richards et al. 2015 PMID: 25741868, with internal and published modifications).